The following is an entry in ClinVar:

NM_019040.5(ELP4):c.165G>T (p.Ser55=)

Gene: ELP4 (elongator acetyltransferase complex subunit 4; plus strand). Cytogenetic location: 11p13.
Variant type: single nucleotide variant.
Coding change: c.165G>T on transcript NM_019040.5 (MANE Select); coding-DNA position 165, G replaced by T.
Protein change: p.Ser55=; no amino-acid change (serine 55 retained).
Molecular consequence: synonymous variant.
Genome position (GRCh38, 1-based): chr11:31,509,949, G>T. VCF-style: chr11-31509949-G-T. GRCh37 (hg19) VCF-style: chr11-31531496-G-T.
Other names: c.165G>T, p.Ser55= (NM_001288725.2, NM_001288726.2).
Identifiers: ClinVar variation 3029785 (VCV003029785.3), dbSNP rs1179728298, ClinGen allele CA473731154.

ClinVar aggregate classification (germline): Likely benign. Review status: criteria provided, single submitter (1 of 4 stars). 2 submissions from 2 submitters: Likely benign (1). 1 of the submissions does not count toward it. Last evaluated 2023-04-25.

Conditions:
ELP4-related disorder. Also called: ELP4-related condition.

Allele frequency attached by ClinVar (database versions not stated): gnomAD 0.00001; TOPMed 0.00002.
gnomAD v4.1: 3 of 1,613,154 alleles (0.00019%); highest among the groups gnomAD compares: Non-Finnish European, 0.000085%; no homozygotes.

Submissions (2):

Blueprint Genetics
Classification: Likely benign. Last evaluated: 2023-04-25. Review status: criteria provided, single submitter. Criteria: ACMG Guidelines, 2015. Collection method: clinical testing. Allele origin: germline.

PreventionGenetics, part of Exact Sciences
Classification: Likely benign for ELP4-related condition. Last evaluated: 2022-04-29. Review status: no assertion criteria provided. Collection method: clinical testing. Allele origin: germline. Not counted in ClinVar's aggregate classification.
Comment: This variant is classified as likely benign based on ACMG/AMP sequence variant interpretation guidelines (Richards et al. 2015 PMID: 25741868, with internal and published modifications).